The following is an entry in ClinVar:

NM_005592.4(MUSK):c.1384+275G>T

Gene: MUSK (muscle associated receptor tyrosine kinase; plus strand). Cytogenetic location: 9q31.3.
Variant type: single nucleotide variant.
Coding change: c.1384+275G>T on transcript NM_005592.4 (MANE Select); 275 bases into the intron after coding-DNA position 1384, G replaced by T.
Molecular consequence: intron variant.
Genome position (GRCh38, 1-based): chr9:110,776,930, G>T. VCF-style: chr9-110776930-G-T. GRCh37 (hg19) VCF-style: chr9-113539210-G-T.
Other names: c.1126+967G>T (NM_001166280.2); c.1096+967G>T (NM_001166281.2); c.124+967G>T (NM_001369398.1).
Identifiers: ClinVar variation 667463 (VCV000667463.1), dbSNP rs2767012, ClinGen allele CA16371838.

ClinVar aggregate classification (germline): Benign (1 of 4 stars; one submission).

Allele frequency attached by ClinVar (database versions not stated): 1000 Genomes Project 0.82588; 1000 Genomes Project 30x 0.82901; TOPMed 0.85298; gnomAD 0.85366 and 0.85822.
gnomAD v4.1: 129,577 of 151,846 alleles (85%); highest among the groups gnomAD compares: African/African-American, 96%; 55,689 homozygotes.

Submission:

GeneDx
Classification: Benign. Last evaluated: 2018-06-16. Review status: criteria provided, single submitter. Criteria: GeneDx Variant Classification (06012015). Collection method: clinical testing. Allele origin: germline. Affected: yes.
Comment: This variant is considered likely benign or benign based on one or more of the following criteria: it is a conservative change, it occurs at a poorly conserved position in the protein, it is predicted to be benign by multiple in silico algorithms, and/or has population frequency not consistent with disease.